The following is an entry in ClinVar:

NM_005477.3(HCN4):c.254G>T (p.Gly85Val)

Gene: HCN4 (hyperpolarization activated cyclic nucleotide gated potassium channel 4; minus strand). Cytogenetic location: 15q24.1.
Variant type: single nucleotide variant.
Coding change: c.254G>T on transcript NM_005477.3 (MANE Select); coding-DNA position 254, G replaced by T.
Protein change: p.Gly85Val; replaces glycine 85 with valine.
Molecular consequence: missense variant.
Genome position (GRCh38, 1-based): chr15:73,368,017, C>A on the plus strand (G>T on the coding strand, the complement: HCN4 is on the minus strand). VCF-style: chr15-73368017-C-A. GRCh37 (hg19) VCF-style: chr15-73660358-C-A.
Other names: c.254G>T (NM_005477.2); short protein forms G85V.
Identifiers: ClinVar variation 1011329 (VCV001011329.8), dbSNP rs1397898750, ClinGen allele CA393098580.

ClinVar aggregate classification (germline): Uncertain significance. Review status: criteria provided, multiple submitters, no conflicts (2 of 4 stars). 2 submissions from 2 submitters: Uncertain significance (2). Last evaluated 2025-06-09.

Conditions:
Cardiovascular phenotype. Identifiers: MedGen CN230736.
Brugada syndrome 8 (BRGDA8). Identifiers: Orphanet 130, MedGen C2751083, MONDO:0013148, OMIM 613123.

Allele frequency attached by ClinVar (database versions not stated): gnomAD exomes below 0.00001.
gnomAD v4.1: 4 of 1,420,122 alleles (0.00028%); highest among the groups gnomAD compares: Non-Finnish European, 0.00037%; no homozygotes.

Submissions (2):

Labcorp Genetics (formerly Invitae), Labcorp
Classification: Uncertain significance for Brugada syndrome 8. Last evaluated: 2025-06-09. Review status: criteria provided, single submitter. Criteria: Invitae Variant Classification Sherloc (09022015). Collection method: clinical testing. Allele origin: germline.
Comment: This sequence change replaces glycine, which is neutral and non-polar, with valine, which is neutral and non-polar, at codon 85 of the HCN4 protein (p.Gly85Val). This variant is not present in population databases (gnomAD no frequency). This missense change has been observed in individual(s) with clinical features of HCN4-related conditions (PMID: 35352813). ClinVar contains an entry for this variant (Variation ID: 1011329). Invitae Evidence Modeling of protein sequence and biophysical properties (such as structural, functional, and spatial information, amino acid conservation, physicochemical variation, residue mobility, and thermodynamic stability) indicates that this missense variant is not expected to disrupt HCN4 protein function with a negative predictive value of 95%. In summary, the available evidence is currently insufficient to determine the role of this variant in disease. Therefore, it has been classified as a Variant of Uncertain Significance.

Ambry Genetics
Classification: Uncertain significance for Cardiovascular phenotype. Last evaluated: 2024-02-16. Review status: criteria provided, single submitter. Criteria: Ambry Variant Classification Scheme 2023. Collection method: clinical testing. Allele origin: germline.
Comment: The p.G85V variant (also known as c.254G>T), located in coding exon 1 of the HCN4 gene, results from a G to T substitution at nucleotide position 254. The glycine at codon 85 is replaced by valine, an amino acid with dissimilar properties. This amino acid position is conserved. In addition, this alteration is predicted to be tolerated by in silico analysis. Based on the available evidence, the clinical significance of this alteration remains unclear.

Literature cited by the submitters: PubMed 35352813 (cited by Labcorp Genetics (formerly Invitae), Labcorp).